The following is an entry in ClinVar:

ClinVar aggregate classification (germline): Uncertain significance (1 of 4 stars; one submission).

gnomAD v4.1: 2 of 1,614,140 alleles (0.00012%); highest among the groups gnomAD compares: Non-Finnish European, 0.000085%; no homozygotes.

Submission:

Labcorp Genetics (formerly Invitae), Labcorp
Classification: Uncertain significance. Last evaluated: 2022-08-10. Review status: criteria provided, single submitter. Criteria: Invitae Variant Classification Sherloc (09022015). Collection method: clinical testing. Allele origin: germline.
Comment: In summary, the available evidence is currently insufficient to determine the role of this variant in disease. Therefore, it has been classified as a Variant of Uncertain Significance. Algorithms developed to predict the effect of missense changes on protein structure and function are either unavailable or do not agree on the potential impact of this missense change (SIFT: "Deleterious"; PolyPhen-2: "Probably Damaging"; Align-GVGD: "Class C0"). This variant has not been reported in the literature in individuals affected with VCAN-related conditions. This variant is not present in population databases (gnomAD no frequency). This sequence change replaces leucine, which is neutral and non-polar, with phenylalanine, which is neutral and non-polar, at codon 84 of the VCAN protein (p.Leu84Phe).

NM_004385.5(VCAN):c.250C>T (p.Leu84Phe)

Gene: VCAN (versican; plus strand). Cytogenetic location: 5q14.2.
Variant type: single nucleotide variant.
Coding change: c.250C>T on transcript NM_004385.5 (MANE Select); coding-DNA position 250, C replaced by T.
Protein change: p.Leu84Phe; replaces leucine 84 with phenylalanine.
Molecular consequence: missense variant.
Genome position (GRCh38, 1-based): chr5:83,490,277, C>T. VCF-style: chr5-83490277-C-T. GRCh37 (hg19) VCF-style: chr5-82786096-C-T.
Other names: c.250C>T, p.Leu84Phe (NM_001126336.3, NM_001164097.2, NM_001164098.2); short protein forms L84F.
Identifiers: ClinVar variation 2050735 (VCV002050735.4), dbSNP rs1037404199, ClinGen allele CA121775343.